The following is an entry in ClinVar:

NM_001004334.4(GPR179):c.5627G>C (p.Trp1876Ser)

Gene: GPR179 (G protein-coupled receptor 179; minus strand). Cytogenetic location: 17q12.
Variant type: single nucleotide variant.
Coding change: c.5627G>C on transcript NM_001004334.4 (MANE Select); coding-DNA position 5627, G replaced by C.
Protein change: p.Trp1876Ser; replaces tryptophan 1876 with serine.
Molecular consequence: missense variant.
Genome position (GRCh38, 1-based): chr17:38,327,942, C>G on the plus strand (G>C on the coding strand, the complement: GPR179 is on the minus strand). VCF-style: chr17-38327942-C-G. GRCh37 (hg19) VCF-style: chr17-36483825-C-G.
Other names: short protein forms W1876S.
Identifiers: ClinVar variation 1301550 (VCV001301550.4), dbSNP rs1290248528, ClinGen allele CA398871219.

ClinVar aggregate classification (germline): Uncertain significance. Review status: criteria provided, multiple submitters, no conflicts (2 of 4 stars). 2 submissions from 2 submitters: Uncertain significance (2). Last evaluated 2024-09-12.

Conditions:
Congenital stationary night blindness 1E. Also called: Night blindness, congenital stationary (complete), 1E, autosomal recessive. Identifiers: Orphanet 215, MedGen C3281215, MONDO:0013807, OMIM 614565.

Allele frequency attached by ClinVar (database versions not stated): TOPMed below 0.00001; gnomAD exomes 0.00001 and 0.00002.

Submissions (2):

Labcorp Genetics (formerly Invitae), Labcorp
Classification: Uncertain significance. Last evaluated: 2024-09-12. Review status: criteria provided, single submitter. Criteria: Invitae Variant Classification Sherloc (09022015). Collection method: clinical testing. Allele origin: germline.
Comment: This sequence change replaces tryptophan, which is neutral and slightly polar, with serine, which is neutral and polar, at codon 1876 of the GPR179 protein (p.Trp1876Ser). This variant is present in population databases (no rsID available, gnomAD 0.02%). This variant has not been reported in the literature in individuals affected with GPR179-related conditions. ClinVar contains an entry for this variant (Variation ID: 1301550). An algorithm developed to predict the effect of missense changes on protein structure and function (PolyPhen-2) suggests that this variant is likely to be disruptive. In summary, the available evidence is currently insufficient to determine the role of this variant in disease. Therefore, it has been classified as a Variant of Uncertain Significance.

Dubai Health Genomic Medicine Center, Dubai Health
Classification: Uncertain significance for Congenital stationary night blindness 1E. Last evaluated: 2020-07-05. Review status: criteria provided, single submitter. Criteria: ACMG Guidelines, 2015. Collection method: clinical testing. Allele origin: germline. Affected: yes.
Comment: The p.Trp1876Ser missense variant in GPR179 has not been previously reported in affected individuals but was identified in 5/30602 (0.016% 0 homozygotes) South Asian alleles in the Genome Aggregation Database (gnomAD). Conservation analysis and computational prediction tools suggest a possible impact to protein function though this information is not predictive enough to confirm pathogenicity. In summary more information is needed to fully assess the clinical significance of this variant.